The following is an entry in ClinVar:

ClinVar aggregate classification (germline): Pathogenic (1 of 4 stars; one submission).

Conditions:
Hereditary cancer-predisposing syndrome. Also called: Hereditary Cancer Syndrome; Hereditary neoplastic syndrome; Neoplastic Syndromes, Hereditary; Tumor predisposition. Identifiers: Orphanet 140162, MedGen C0027672, MeSH D009386, MONDO:0015356.

Submission:

Ambry Genetics
Classification: Pathogenic for Hereditary cancer-predisposing syndrome. Last evaluated: 2018-06-14. Review status: criteria provided, single submitter. Criteria: Ambry Variant Classification Scheme 2023. Collection method: clinical testing. Allele origin: germline.
Comment: The c.1286delT pathogenic mutation, located in coding exon 4 of the MSH6 gene, results from a deletion of one nucleotide at nucleotide position 1286, causing a translational frameshift with a predicted alternate stop codon (p.V429Gfs*24). This alteration is expected to result in loss of function by premature protein truncation or nonsense-mediated mRNA decay. As such, this alteration is interpreted as a disease-causing mutation.

NM_000179.3(MSH6):c.1286del (p.Val429fs)

Gene: MSH6 (mutS homolog 6; plus strand). Cytogenetic location: 2p16.3.
Variant type: Deletion.
Coding change: c.1286del on transcript NM_000179.3 (MANE Select); coding-DNA position 1286, one base deleted (T; older notation c.1286delT).
Protein change: p.Val429fs; shifts the reading frame from valine 429.
Molecular consequence: frameshift variant.
Genome position (GRCh38, 1-based): chr2:47,799,269, T deleted. VCF-style (leftmost placement, unchanged base first): chr2-47799268-GT-G. GRCh37 (hg19) VCF-style: chr2-48026407-GT-G.
Other names: c.896del, p.Val299fs (NM_001281492.2); c.380del, p.Val127fs (NM_001281493.2, NM_001281494.2); c.1382delT, p.Val461Glyfs (NM_001406795.1, NM_001406802.1); c.1286delT, p.Val429Glyfs (NM_001406796.1, NM_001406798.1, NM_001406800.1 and 4 more transcripts); c.989delT, p.Val330Glyfs (NM_001406797.1, NM_001406801.1, NM_001406805.1 and 10 more transcripts); c.761delT, p.Val254Glyfs (NM_001406799.1, NM_001406806.1, NM_001406807.1); c.1208delT, p.Val403Glyfs (NM_001406804.1); c.380delT, p.Val127Glyfs (NM_001406811.1, NM_001406812.1, NM_001406814.1 and 4 more transcripts); and 2 more; short protein forms V127fs, V429fs, V299fs.
Identifiers: ClinVar variation 1768976 (VCV001768976.2), dbSNP rs2530601197, ClinGen allele CA2580067555.
Genomic context (GRCh38, chr2:47,799,268, plus strand): 5'-GGGATGAGGAAGTGGTGGCAGATTAAGTCTCAGAACTTTGATCTTGTCATCTGTTACAAG[GT>G]GGGGAAATTTTATGAGCTGTACCACATGGATGCTCTTATTGGAGTCAGTGAACTGGGGCT-3'